The following is an entry in ClinVar:

ClinVar aggregate classification (germline): Likely benign. Review status: criteria provided, multiple submitters, no conflicts (2 of 4 stars). 7 submissions from 6 submitters: Likely benign (7). Last evaluated 2026-01-28.

Conditions:
Retinitis pigmentosa 39 (RP39). Identifiers: Orphanet 791, MedGen C3151138, MONDO:0013436, OMIM 613809.
Usher syndrome type 2A. Also called: RETINAL DISEASE IN USHER SYNDROME TYPE IIA, MODIFIER OF; USHER SYNDROME, TYPE IIA. Identifiers: Orphanet 231178, Orphanet 886, MedGen C1848634, MONDO:0010169, OMIM 276901.

Allele frequency attached by ClinVar (database versions not stated): gnomAD 0.00021; gnomAD exomes 0.00029 and 0.00033; TOPMed 0.00031; ExAC 0.00036; ESP Exome Variant Server 0.00054.
gnomAD v4.1: 478 of 1,613,272 alleles (0.03%); highest among the groups gnomAD compares: Middle Eastern, 0.25%; 2 homozygotes.

Submissions (7):

Labcorp Genetics (formerly Invitae), Labcorp
Classification: Likely benign. Last evaluated: 2026-01-28. Review status: criteria provided, single submitter. Criteria: Invitae Variant Classification Sherloc (09022015). Collection method: clinical testing. Allele origin: germline.

Blueprint Genetics
Classification: Likely benign. Last evaluated: 2024-10-14. Review status: criteria provided, single submitter. Criteria: ACMG Guidelines, 2015. Collection method: clinical testing. Allele origin: germline.

Genome-Nilou Lab
Classification: Likely benign for Retinitis pigmentosa 39. Last evaluated: 2023-04-11. Review status: criteria provided, single submitter. Criteria: ACMG Guidelines, 2015. Collection method: clinical testing. Allele origin: germline. Affected: no.

Genome-Nilou Lab
Classification: Likely benign for Usher syndrome type 2A. Last evaluated: 2023-04-11. Review status: criteria provided, single submitter. Criteria: ACMG Guidelines, 2015. Collection method: clinical testing. Allele origin: germline. Affected: no.

GeneDx
Classification: Likely benign. Last evaluated: 2018-01-18. Review status: criteria provided, single submitter. Criteria: GeneDx Variant Classification (06012015). Collection method: clinical testing. Allele origin: germline. Affected: yes.
Comment: This variant is considered likely benign or benign based on one or more of the following criteria: it is a conservative change, it occurs at a poorly conserved position in the protein, it is predicted to be benign by multiple in silico algorithms, and/or has population frequency not consistent with disease.

Laboratory for Molecular Medicine, Mass General Brigham Personalized Medicine
Classification: Likely benign. Last evaluated: 2015-05-28. Review status: criteria provided, single submitter. Criteria: LMM Criteria. Collection method: clinical testing. Allele origin: germline. Observed: 3 variant alleles.
Comment: c.6325+13G>A in Intron 32 of USH2A: This variant is not expected to have clinica l significance because it is not located within the conserved splice consensus s equence. This variant has been identified in 35/66520 European chromosomes by t he Exome Aggregation Consortium (ExAC; dbSNP rs3 68490585).

Breakthrough Genomics
Classification: Likely benign. Review status: criteria provided, single submitter. Criteria: ACMG Guidelines, 2015. Collection method: not provided. Allele origin: germline. Inheritance: Autosomal recessive inheritance. Affected: yes.

NM_206933.4(USH2A):c.6325+13G>A

Gene: USH2A (usherin; minus strand). Cytogenetic location: 1q41.
Variant type: single nucleotide variant.
Coding change: c.6325+13G>A on transcript NM_206933.4 (MANE Select); 13 bases into the intron after coding-DNA position 6325, G replaced by A.
Molecular consequence: intron variant.
Genome position (GRCh38, 1-based): chr1:216,046,418, C>T on the plus strand (G>A on the coding strand, the complement: USH2A is on the minus strand). VCF-style: chr1-216046418-C-T. GRCh37 (hg19) VCF-style: chr1-216219760-C-T.
Identifiers: ClinVar variation 228217 (VCV000228217.18), dbSNP rs368490585, ClinGen allele CA1395177.